The following is an entry in ClinVar:

NM_032382.5(COG8):c.*26+543C>T

Genes: PDF (peptide deformylase, mitochondrial; minus strand), COG8 (component of oligomeric golgi complex 8; minus strand). Cytogenetic location: 16q22.1.
Variant type: single nucleotide variant.
Coding change: c.*26+543C>T on transcript NM_032382.5 (MANE Select); 543 bases into the intron after 26 bases downstream of the stop codon, C replaced by T.
Molecular consequence: intron variant. On other transcripts: nonsense (1).
Genome position (GRCh38, 1-based): chr16:69,330,270, G>A on the plus strand (C>T on the coding strand, the complement: COG8 is on the minus strand). VCF-style: chr16-69330270-G-A. GRCh37 (hg19) VCF-style: chr16-69364173-G-A.
Other names: c.301C>T, p.Gln101Ter (NM_022341.2); c.1414-1091C>T (NM_001379266.1); c.1583-1091C>T (NM_001379265.1); c.1759+649C>T (NM_001379262.1); c.*23+546C>T (NM_001379264.1); c.*26+543C>T (NM_001379263.1, NM_001379261.1); short protein forms Q101*.
Identifiers: ClinVar variation 1032952 (VCV001032952.1), dbSNP rs2011689121, ClinGen allele CA396478533.

ClinVar aggregate classification (germline): Uncertain significance (1 of 4 stars; one submission).

Conditions:
COG8-congenital disorder of glycosylation. Also called: CDG IIh; COG8-CDG. Identifiers: Orphanet 95428, MedGen C1970021, MONDO:0012635, OMIM 611182.

Allele frequency attached by ClinVar (database versions not stated): gnomAD exomes below 0.00001.
gnomAD v4.1: 1 of 1,438,668 alleles (0.00007%); no homozygotes.

Submission:

Baylor Genetics
Classification: Uncertain significance for COG8-congenital disorder of glycosylation. Last evaluated: 2018-02-22. Review status: criteria provided, single submitter. Criteria: ACMG Guidelines, 2015. Collection method: clinical testing. Allele origin: maternal. Affected: yes.
Comment: This variant was determined to be of uncertain significance according to ACMG Guidelines, 2015 [PMID:25741868].